The following is an entry in ClinVar:

NM_001276345.2(TNNT2):c.143C>T (p.Thr48Ile)

Gene: TNNT2 (troponin T2, cardiac type; minus strand). Cytogenetic location: 1q32.1.
Variant type: single nucleotide variant.
Coding change: c.143C>T on transcript NM_001276345.2 (MANE Select); coding-DNA position 143, C replaced by T.
Protein change: p.Thr48Ile; replaces threonine 48 with isoleucine.
Molecular consequence: missense variant.
Genome position (GRCh38, 1-based): chr1:201,368,182, G>A on the plus strand (C>T on the coding strand, the complement: TNNT2 is on the minus strand). VCF-style: chr1-201368182-G-A. GRCh37 (hg19) VCF-style: chr1-201337310-G-A.
Other names: c.143C>T, p.Thr48Ile (NM_000364.4, NM_001276346.2, NM_001406723.1); c.113C>T, p.Thr38Ile (NM_001001430.3, NM_001001431.3, NM_001276347.2 and 4 more transcripts); c.98C>T, p.Thr33Ile (NM_001001432.3, NM_001406728.1); short protein forms T33I, T38I, T48I.
Identifiers: ClinVar variation 1805009 (VCV001805009.2), dbSNP rs2102283440, ClinGen allele CA344207251.

ClinVar aggregate classification (germline): Uncertain significance. Review status: criteria provided, multiple submitters, no conflicts (2 of 4 stars). 2 submissions from 2 submitters: Uncertain significance (2). Last evaluated 2023-05-04.

Conditions:
Hypertrophic cardiomyopathy 2. Also called: TNNT2-Related Familial Hypertrophic Cardiomyopathy. Identifiers: MedGen C1861864, MONDO:0007266, OMIM 115195.
Cardiomyopathy (CMYO). Also called: Cardiomyopathies. Identifiers: Orphanet 167848, MedGen C0878544, MONDO:0004994, HP:0001638. Inheritance: Various modes of inheritance.

Allele frequency attached by ClinVar (database versions not stated): gnomAD exomes below 0.00001.
gnomAD v4.1: 1 of 1,614,080 alleles (0.000062%); highest among the groups gnomAD compares: South Asian, 0.0011%; no homozygotes.

Submissions (2):

All of Us Research Program, National Institutes of Health
Classification: Uncertain significance for Cardiomyopathy. Last evaluated: 2023-05-04. Review status: criteria provided, single submitter. Criteria: ACMG Guidelines, 2015. Collection method: clinical testing. Allele origin: germline. Inheritance: Autosomal dominant inheritance. Observed: 1 variant allele, 1 heterozygote.
Comment: This missense variant replaces threonine with isoleucine at codon 38 of the TNNT2 protein. Computational prediction is inconclusive regarding the impact of this variant on protein structure and function (internally defined REVEL score threshold 0.5 < inconclusive < 0.7, PMID: 27666373). To our knowledge, functional studies have not been reported for this variant. This variant has not been reported in individuals affected with TNNT2-related disorders in the literature. This variant has not been identified in the general population by the Genome Aggregation Database (gnomAD). The available evidence is insufficient to determine the role of this variant in disease conclusively. Therefore, this variant is classified as a Variant of Uncertain Significance.

This study involves interpretation of variants in research participants for the purpose of population health screening. Participant phenotype was not available at the time of variant classification. Additional details can be found in publication PMID: 35346344, PMCID: PMC8962531

Victorian Clinical Genetics Services, Murdoch Childrens Research Institute
Classification: Uncertain significance for Hypertrophic cardiomyopathy 2. Last evaluated: 2021-05-06. Review status: criteria provided, single submitter. Criteria: ACMG Guidelines, 2015. Collection method: clinical testing. Allele origin: germline. Inheritance: Autosomal dominant inheritance. Affected: yes.
Comment: Based on the classification scheme VCGS_Germline_v1.3.4, this variant is classified as VUS-3C. Following criteria are met: 0105 - The mechanism of disease for this gene is not clearly established. Functional studies have suggested loss-of-function, gain-of-function and dominant-negative mechanisms based on calcium sensitivity, contractibility and mouse models (PMID: 18612386, 32098556, 33025817, ClinGen). (I) 0107 - This gene is associated with autosomal dominant disease. (I) 0115 - Variants in this gene are known to have variable expressivity. Variants in this gene have been reported to cause both HCM and dilated cardiomyopathy (PMID: 26507537). (I) 0200 - Variant is predicted to result in a missense amino acid change from threonine to isoleucine. (I) 0251 - This variant is heterozygous. (I) 0301 - Variant is absent from gnomAD (both v2 and v3). (SP) 0504 - Same amino acid change has been observed in placental mammals. (SB) 0604 - Variant is not located in an established domain, motif, hotspot or informative constraint region. (I) 0704 - Another missense variant comparable to the one identified in this case has limited previous evidence for pathogenicity. This alternative missense variant (p.(Thr48Asn)) has been reported as pathogenic, and observed in an individual with hypertrophic cardiomyopathy (HCM). However, this individual also had a pathogenic variant in the MYBPC3 gene, which results in a premature termination codon (PMID: 25132132). (SP) 0807 - This variant has no previous evidence of pathogenicity. (I) 0905 - No published segregation evidence has been identified for this variant. (I) 1007 - No published functional evidence has been identified for this variant. (I) 1208 - Inheritance information for this variant is not currently available in this individual. (I) Legend: (SP) - Supporting pathogenic, (I) - Information, (SB) - Supporting benign

Literature cited by the submitters: PubMed 18612386 (cited by Victorian Clinical Genetics Services, Murdoch Childrens Research Institute); PubMed 25132132 (cited by Victorian Clinical Genetics Services, Murdoch Childrens Research Institute); PubMed 26507537 (cited by Victorian Clinical Genetics Services, Murdoch Childrens Research Institute); PubMed 32098556 (cited by Victorian Clinical Genetics Services, Murdoch Childrens Research Institute); PubMed 33025817 (cited by Victorian Clinical Genetics Services, Murdoch Childrens Research Institute).